The following is an entry in ClinVar:

NM_000458.4(HNF1B):c.119G>A (p.Gly40Glu)

Gene: HNF1B (HNF1 homeobox B; minus strand). Cytogenetic location: 17q12.
Variant type: single nucleotide variant.
Coding change: c.119G>A on transcript NM_000458.4 (MANE Select); coding-DNA position 119, G replaced by A.
Protein change: p.Gly40Glu; replaces glycine 40 with glutamic acid.
Molecular consequence: missense variant.
Genome position (GRCh38, 1-based): chr17:37,744,766, C>T on the plus strand (G>A on the coding strand, the complement: HNF1B is on the minus strand). VCF-style: chr17-37744766-C-T. GRCh37 (hg19) VCF-style: chr17-36104757-C-T.
Other names: c.119G>A, p.Gly40Glu (NM_001165923.4, NM_001304286.2, NM_001411100.1); short protein forms G40E.
Identifiers: ClinVar variation 3032773 (VCV003032773.2), dbSNP rs2511852471, ClinGen allele CA398754435.

ClinVar aggregate classification (germline): Uncertain significance (0 of 4 stars; one submission).

Conditions:
HNF1B-related disorder. Also called: HNF1B-related disorders; HNF1B-related condition.

Submission:

PreventionGenetics, part of Exact Sciences
Classification: Uncertain significance for HNF1B-related condition. Last evaluated: 2023-12-04. Review status: no assertion criteria provided. Collection method: clinical testing. Allele origin: germline.
Comment: The HNF1B c.119G>A variant is predicted to result in the amino acid substitution p.Gly40Glu. To our knowledge, this variant has not been reported in the literature or in a large population database, indicating this variant is rare. However, a different missense substitution affecting this amino acid has been reported in a patient with diabetes (p.Gly40Arg, Donath et al. 2019. PubMed ID: 31291970 ). At this time, the clinical significance of the p.Gly40Glu variant is uncertain due to the absence of conclusive functional and genetic evidence.